The following is an entry in ClinVar:

ClinVar aggregate classification (germline): Benign/Likely benign. Review status: criteria provided, multiple submitters, no conflicts (2 of 4 stars). 6 submissions from 6 submitters: Benign (1); Likely benign (5). Last evaluated 2026-01-05.

Conditions:
Renal hypomagnesemia 2 (HOMG2). Also called: MAGNESIUM LOSS, ISOLATED RENAL. Identifiers: Orphanet 34528, MedGen C1835171, MONDO:0007937, OMIM 154020.
FXYD2-related disorder. Also called: FXYD2-related condition.

Allele frequency attached by ClinVar (database versions not stated): ExAC 0.00051; 1000 Genomes Project 30x 0.00078; gnomAD 0.00079 and 0.00082; 1000 Genomes Project 0.00080; gnomAD exomes 0.00092 and 0.00142; TOPMed 0.00097; ESP Exome Variant Server 0.00101.

Submissions (6):

Labcorp Genetics (formerly Invitae), Labcorp
Classification: Likely benign. Last evaluated: 2026-01-05. Review status: criteria provided, single submitter. Criteria: Invitae Variant Classification Sherloc (09022015). Collection method: clinical testing. Allele origin: germline.

PreventionGenetics, part of Exact Sciences
Classification: Likely benign for FXYD2-related condition. Last evaluated: 2025-10-20. Review status: criteria provided, single submitter. Criteria: ACMG Guidelines, 2015. Collection method: clinical testing. Allele origin: germline.
Comment: This variant is classified as likely benign based on ACMG/AMP sequence variant interpretation guidelines (Richards et al. 2015 PMID: 25741868, with internal and published modifications).

Blueprint Genetics
Classification: Likely benign. Last evaluated: 2024-11-14. Review status: criteria provided, single submitter. Criteria: ACMG Guidelines, 2015. Collection method: clinical testing. Allele origin: germline.

GeneDx
Classification: Likely benign. Last evaluated: 2021-03-10. Review status: criteria provided, single submitter. Criteria: GeneDx Variant Classification Process June 2021. Collection method: clinical testing. Allele origin: germline. Affected: yes.
Comment: In silico analysis supports that this missense variant does not alter protein structure/function; Has not been previously published as pathogenic or benign to our knowledge

Illumina Laboratory Services, Illumina
Classification: Benign for Renal hypomagnesemia 2. Last evaluated: 2018-01-12. Review status: criteria provided, single submitter. Criteria: ICSL Variant Classification Criteria 13 December 2019. Collection method: clinical testing. Allele origin: germline.
Comment: This variant was observed in the ICSL laboratory as part of a predisposition screen in an ostensibly healthy population. It had not been previously curated by ICSL or reported in the Human Gene Mutation Database (HGMD: prior to June 1st, 2018), and was therefore a candidate for classification through an automated scoring system. Utilizing variant allele frequency, disease prevalence and penetrance estimates, and inheritance mode, an automated score was calculated to assess if this variant is too frequent to cause the disease. Based on the score and internal cut-off values, a variant classified as benign is not then subjected to further curation. The score for this variant resulted in a classification of benign for this disease.

Breakthrough Genomics
Classification: Likely benign. Review status: criteria provided, single submitter. Criteria: ACMG Guidelines, 2015. Collection method: not provided. Allele origin: germline. Inheritance: Autosomal dominant inheritance. Affected: yes.

NM_001680.5(FXYD2):c.76G>A (p.Val26Ile)

Genes: FXYD2 (FXYD domain containing ion transport regulator 2; minus strand), FXYD6-FXYD2 (FXYD6-FXYD2 readthrough; minus strand). Cytogenetic location: 11q23.3.
Variant type: single nucleotide variant.
Coding change: c.76G>A on transcript NM_001680.5 (MANE Select); coding-DNA position 76, G replaced by A.
Protein change: p.Val26Ile; replaces valine 26 with isoleucine.
Molecular consequence: missense variant. On other transcripts: intron variant (1).
Genome position (GRCh38, 1-based): chr11:117,822,469, C>T on the plus strand (G>A on the coding strand, the complement: FXYD2 is on the minus strand). VCF-style: chr11-117822469-C-T. GRCh37 (hg19) VCF-style: chr11-117693184-C-T.
Other names: c.310G>A, p.Val104Ile (NM_001204268.3); c.70G>A, p.Val24Ile (NM_021603.4); c.311+210G>A (NM_001243598.4); short protein forms V24I, V26I, V104I.
Identifiers: ClinVar variation 302524 (VCV000302524.18), dbSNP rs149878562, ClinGen allele CA6297816.
Genomic context (GRCh38, chr11:117,822,469, plus strand): 5'-GGAGGATGAGGAGCCCCACGATGAAGGCCAGTCCAGCGAAGATCAGGCCCCCATTGCGAA[C>T]GGTCTCATAGTCTCCGGAAAGAGAGGGCAAGAGGAGCGGGATGGGTGGTCTCTCCCAGCA-3'
Protein context (NP_001671.2, residues 16-36): VDPFYYDYET[Val26Ile]RNGGLIFAGL